The following is an entry in ClinVar:

NM_014484.5(MOCS3):c.13G>C (p.Glu5Gln)

Gene: MOCS3 (molybdenum cofactor synthesis 3; plus strand). Cytogenetic location: 20q13.13.
Variant type: single nucleotide variant.
Coding change: c.13G>C on transcript NM_014484.5 (MANE Select); coding-DNA position 13, G replaced by C.
Protein change: p.Glu5Gln; replaces glutamic acid 5 with glutamine.
Molecular consequence: missense variant.
Genome position (GRCh38, 1-based): chr20:50,958,855, G>C. VCF-style: chr20-50958855-G-C. GRCh37 (hg19) VCF-style: chr20-49575392-G-C.
Other names: short protein forms E5Q.
Identifiers: ClinVar variation 4697016 (VCV004697016.1).

ClinVar aggregate classification (germline): Uncertain significance (1 of 4 stars; one submission).

Submission:

Labcorp Genetics (formerly Invitae), Labcorp
Classification: Uncertain significance. Last evaluated: 2025-06-25. Review status: criteria provided, single submitter. Criteria: Invitae Variant Classification Sherloc (09022015). Collection method: clinical testing. Allele origin: germline.
Comment: This sequence change replaces glutamic acid, which is acidic and polar, with glutamine, which is neutral and polar, at codon 5 of the MOCS3 protein (p.Glu5Gln). This variant is not present in population databases (gnomAD no frequency). This variant has not been reported in the literature in individuals affected with MOCS3-related conditions. An algorithm developed to predict the effect of missense changes on protein structure and function (PolyPhen-2) suggests that this variant is likely to be tolerated. In summary, the available evidence is currently insufficient to determine the role of this variant in disease. Therefore, it has been classified as a Variant of Uncertain Significance.